The following is an entry in ClinVar:

ClinVar aggregate classification (germline): Uncertain significance (1 of 4 stars; one submission).

Allele frequency attached by ClinVar (database versions not stated): gnomAD exomes 0.00001; TOPMed 0.00002.
gnomAD v4.1: 18 of 1,614,170 alleles (0.0011%); highest among the groups gnomAD compares: South Asian, 0.0066%; no homozygotes.

Submission:

Labcorp Genetics (formerly Invitae), Labcorp
Classification: Uncertain significance. Last evaluated: 2023-06-10. Review status: criteria provided, single submitter. Criteria: Invitae Variant Classification Sherloc (09022015). Collection method: clinical testing. Allele origin: germline.
Comment: In summary, the available evidence is currently insufficient to determine the role of this variant in disease. Therefore, it has been classified as a Variant of Uncertain Significance. An algorithm developed to predict the effect of missense changes on protein structure and function (PolyPhen-2) suggests that this variant is likely to be disruptive. This variant has not been reported in the literature in individuals affected with KANK1-related conditions. This variant is present in population databases (no rsID available, gnomAD 0.006%). This sequence change replaces arginine, which is basic and polar, with glutamine, which is neutral and polar, at codon 1246 of the KANK1 protein (p.Arg1246Gln).

NM_015158.5(KANK1):c.3737G>A (p.Arg1246Gln)

Gene: KANK1 (KN motif and ankyrin repeat domains 1; plus strand). Cytogenetic location: 9p24.3.
Variant type: single nucleotide variant.
Coding change: c.3737G>A on transcript NM_015158.5 (MANE Select); coding-DNA position 3737, G replaced by A.
Protein change: p.Arg1246Gln; replaces arginine 1246 with glutamine.
Molecular consequence: missense variant. On other transcripts: non-coding transcript variant (1).
Genome position (GRCh38, 1-based): chr9:742,245, G>A. VCF-style: chr9-742245-G-A. GRCh37 (hg19) VCF-style: chr9-742245-G-A.
Other names: c.3737G>A, p.Arg1246Gln (NM_001256876.3, NM_001256877.3, NM_001354334.2); c.3497G>A, p.Arg1166Gln (NM_001354331.2); c.3683G>A, p.Arg1228Gln (NM_001354332.2); c.3263G>A, p.Arg1088Gln (NM_001354333.2, NM_001354335.2, NM_001354337.2 and 2 more transcripts); c.2969G>A, p.Arg990Gln (NM_001354336.2); c.3209G>A, p.Arg1070Gln (NM_001354338.2, NM_001354340.2, NM_001354344.2); c.3023G>A, p.Arg1008Gln (NM_001354339.2, NM_001354342.2, NM_001354343.2); short protein forms R1228Q, R990Q, R1008Q, R1088Q, R1070Q, R1166Q, R1246Q.
Identifiers: ClinVar variation 2903355 (VCV002903355.3), dbSNP rs1048354269, ClinGen allele CA187803284.